The following is an entry in ClinVar:

NM_001430.5(EPAS1):c.1304G>A (p.Ser435Asn)

Gene: EPAS1 (endothelial PAS domain protein 1; plus strand). Cytogenetic location: 2p21.
Variant type: single nucleotide variant.
Coding change: c.1304G>A on transcript NM_001430.5 (MANE Select); coding-DNA position 1304, G replaced by A.
Protein change: p.Ser435Asn; replaces serine 435 with asparagine.
Molecular consequence: missense variant.
Genome position (GRCh38, 1-based): chr2:46,377,948, G>A. VCF-style: chr2-46377948-G-A. GRCh37 (hg19) VCF-style: chr2-46605087-G-A.
Other names: short protein forms S435N.
Identifiers: ClinVar variation 2456441 (VCV002456441.2), dbSNP rs1174585697, ClinGen allele CA346703747.

ClinVar aggregate classification (germline): Uncertain significance (1 of 4 stars; one submission).

Conditions:
Inborn genetic diseases. Identifiers: MedGen C0950123, MeSH D030342.

Allele frequency attached by ClinVar (database versions not stated): TOPMed 0.00001; gnomAD exomes 0.00002.
gnomAD v4.1: 22 of 1,559,830 alleles (0.0014%); highest among the groups gnomAD compares: Non-Finnish European, 0.0019%; no homozygotes.

Submission:

Ambry Genetics
Classification: Uncertain significance for Inborn genetic diseases. Last evaluated: 2023-02-21. Review status: criteria provided, single submitter. Criteria: Ambry Variant Classification Scheme 2023. Collection method: clinical testing. Allele origin: germline.
Comment: The p.S435N variant (also known as c.1304G>A), located in coding exon 10 of the EPAS1 gene, results from a G to A substitution at nucleotide position 1304. The serine at codon 435 is replaced by asparagine, an amino acid with highly similar properties. This amino acid position is conserved. In addition, this alteration is predicted to be tolerated by in silico analysis. Since supporting evidence is limited at this time, the clinical significance of this alteration remains unclear.